The following is an entry in ClinVar:

ClinVar aggregate classification (germline): Uncertain significance (1 of 4 stars; one submission).

Conditions:
POLD1-related polyposis and colorectal cancer syndrome (CRCS10). Also called: Colorectal cancer 10; COLORECTAL CANCER, SUSCEPTIBILITY TO, ON CHROMOSOME 19q; Colorectal cancer, susceptibility to, 10. Identifiers: Orphanet 220460, MedGen C2675481, MONDO:0012953, OMIM 612591.

Allele frequency attached by ClinVar (database versions not stated): gnomAD exomes below 0.00001.
gnomAD v4.1: 1 of 1,614,094 alleles (0.000062%); highest among the groups gnomAD compares: East Asian, 0.0022%; no homozygotes.

Submission:

Labcorp Genetics (formerly Invitae), Labcorp
Classification: Uncertain significance for POLD1-related polyposis and colorectal cancer syndrome. Last evaluated: 2023-05-18. Review status: criteria provided, single submitter. Criteria: Invitae Variant Classification Sherloc (09022015). Collection method: clinical testing. Allele origin: germline.
Comment: This sequence change replaces alanine, which is neutral and non-polar, with valine, which is neutral and non-polar, at codon 171 of the POLD1 protein (p.Ala171Val). This variant is not present in population databases (gnomAD no frequency). This variant has not been reported in the literature in individuals affected with POLD1-related conditions. ClinVar contains an entry for this variant (Variation ID: 938907). Advanced modeling of protein sequence and biophysical properties (such as structural, functional, and spatial information, amino acid conservation, physicochemical variation, residue mobility, and thermodynamic stability) performed at Invitae indicates that this missense variant is not expected to disrupt POLD1 protein function. In summary, the available evidence is currently insufficient to determine the role of this variant in disease. Therefore, it has been classified as a Variant of Uncertain Significance.

NM_002691.4(POLD1):c.512C>T (p.Ala171Val)

Gene: POLD1 (DNA polymerase delta 1, catalytic subunit; plus strand). Cytogenetic location: 19q13.33.
Variant type: single nucleotide variant.
Coding change: c.512C>T on transcript NM_002691.4 (MANE Select); coding-DNA position 512, C replaced by T.
Protein change: p.Ala171Val; replaces alanine 171 with valine.
Molecular consequence: missense variant. On other transcripts: non-coding transcript variant (1).
Genome position (GRCh38, 1-based): chr19:50,402,047, C>T. VCF-style: chr19-50402047-C-T. GRCh37 (hg19) VCF-style: chr19-50905304-C-T.
Other names: c.512C>T, p.Ala171Val (NM_001256849.1, NM_001308632.1); short protein forms A171V.
Identifiers: ClinVar variation 938907 (VCV000938907.9), dbSNP rs2038660657, ClinGen allele CA406973103.